The following is an entry in ClinVar:

NM_020980.5(AQP9):c.357C>T (p.Thr119=)

Gene: AQP9 (aquaporin 9; plus strand). Cytogenetic location: 15q21.3.
Variant type: single nucleotide variant.
Coding change: c.357C>T on transcript NM_020980.5 (MANE Select); coding-DNA position 357, C replaced by T.
Protein change: p.Thr119=; no amino-acid change (threonine 119 retained).
Molecular consequence: synonymous variant.
Genome position (GRCh38, 1-based): chr15:58,173,186, C>T. VCF-style: chr15-58173186-C-T. GRCh37 (hg19) VCF-style: chr15-58465385-C-T.
Other names: c.357C>T, p.Thr119= (NM_001320635.2); c.162C>T, p.Thr54= (NM_001320636.1).
Identifiers: ClinVar variation 2645380 (VCV002645380.24), dbSNP rs148872883, ClinGen allele CA7584427.
Genomic context (GRCh38, chr15:58,173,186, plus strand): 5'-GTTCAAATTGCCATTTTATGTGGGAGCCCAGTTCTTGGGAGCCTTTGTGGGGGCTGCAAC[C>T]GTCTTTGGCATTTACTATGGTGAGTAAAGTCCCTGAGTCCTAAGGTTAGGAAGAGCTGGG-3'
Protein context (NP_066190.2, residues 109-129): QFLGAFVGAA[Thr119=]VFGIYYDGLM

ClinVar aggregate classification (germline): Likely benign (1 of 4 stars; one submission).

Allele frequency attached by ClinVar (database versions not stated): gnomAD exomes 0.00020; ExAC 0.00054; ESP Exome Variant Server 0.00131; 1000 Genomes Project 0.00160; 1000 Genomes Project 30x 0.00187; gnomAD 0.00198; TOPMed 0.00239.
gnomAD v4.1: 619 of 1,614,088 alleles (0.038%); highest among the groups gnomAD compares: African/African-American, 0.65%; 2 homozygotes.

Submission:

CeGaT Center for Human Genetics Tuebingen
Classification: Likely benign. Last evaluated: 2022-09-01. Review status: criteria provided, single submitter. Criteria: CeGaT Center For Human Genetics Tuebingen Variant Classification Criteria Version 2. Collection method: clinical testing. Allele origin: germline. Affected: yes. Observed: 1 variant allele.
Comment: AQP9: BP4, BP7